The following is an entry in ClinVar:

ClinVar aggregate classification (germline): Uncertain significance (1 of 4 stars; one submission).

Allele frequency attached by ClinVar (database versions not stated): TOPMed below 0.00001; gnomAD exomes 0.00001; ExAC 0.00002.
gnomAD v4.1: 5 of 1,613,544 alleles (0.00031%); highest among the groups gnomAD compares: Admixed American, 0.0083%; no homozygotes.

Submission:

Labcorp Genetics (formerly Invitae), Labcorp
Classification: Uncertain significance. Last evaluated: 2022-07-11. Review status: criteria provided, single submitter. Criteria: Invitae Variant Classification Sherloc (09022015). Collection method: clinical testing. Allele origin: germline.
Comment: This sequence change replaces leucine, which is neutral and non-polar, with methionine, which is neutral and non-polar, at codon 382 of the SLC46A1 protein (p.Leu382Met). This variant is present in population databases (rs782067170, gnomAD 0.01%). This variant has not been reported in the literature in individuals affected with SLC46A1-related conditions. ClinVar contains an entry for this variant (Variation ID: 1512989). Experimental studies and prediction algorithms are not available or were not evaluated, and the functional significance of this variant is currently unknown. In summary, the available evidence is currently insufficient to determine the role of this variant in disease. Therefore, it has been classified as a Variant of Uncertain Significance.

NM_080669.6(SLC46A1):c.1144C>A (p.Leu382Met)

Genes: SARM1 (sterile alpha and TIR motif containing 1; plus strand), SLC46A1 (solute carrier family 46 member 1; minus strand). Cytogenetic location: 17q11.2.
Variant type: single nucleotide variant.
Coding change: c.1144C>A on transcript NM_080669.6 (MANE Select); coding-DNA position 1144, C replaced by A.
Protein change: p.Leu382Met; replaces leucine 382 with methionine.
Molecular consequence: missense variant. On other transcripts: 3 prime UTR variant (1), intron variant (1).
Genome position (GRCh38, 1-based): chr17:28,402,259, G>T on the plus strand (C>A on the coding strand, the complement: SLC46A1 is on the minus strand). VCF-style: chr17-28402259-G-T. GRCh37 (hg19) VCF-style: chr17-26729277-G-T.
Other names: c.*5973G>T (NM_015077.4); c.1082-1493C>A (NM_001242366.3); short protein forms L382M.
Identifiers: ClinVar variation 1512989 (VCV001512989.3), dbSNP rs782067170, ClinGen allele CA8458204.